The following is an entry in ClinVar:

NM_001329.4(CTBP2):c.58+12600T>C

Gene: CTBP2 (C-terminal binding protein 2; minus strand). Cytogenetic location: 10q26.13.
Variant type: single nucleotide variant.
Coding change: c.58+12600T>C on transcript NM_001329.4 (MANE Select); 12600 bases into the intron after coding-DNA position 58, T replaced by C.
Molecular consequence: intron variant. On other transcripts: missense variant (1).
Genome position (GRCh38, 1-based): chr10:125,026,397, A>G on the plus strand (T>C on the coding strand, the complement: CTBP2 is on the minus strand). VCF-style: chr10-125026397-A-G. GRCh37 (hg19) VCF-style: chr10-126714966-A-G.
Other names: c.1363T>C, p.Tyr455His (NM_022802.3); c.58+12600T>C (NM_001083914.3, NM_001290214.3, NM_001321012.2 and 3 more transcripts); short protein forms Y455H.
Identifiers: ClinVar variation 3059822 (VCV003059822.2), dbSNP rs3012075, ClinGen allele CA5736230.

ClinVar aggregate classification (germline): Benign (0 of 4 stars; one submission).

Conditions:
CTBP2-related disorder. Also called: CTBP2-related condition.

Allele frequency attached by ClinVar (database versions not stated): TOPMed 0.42296; 1000 Genomes Project 30x 0.43785; ESP Exome Variant Server 0.44032; gnomAD 0.44584; 1000 Genomes Project 0.44788; ExAC 0.47908; gnomAD exomes 0.48502.
gnomAD v4.1: 774,525 of 1,609,638 alleles (48%); highest among the groups gnomAD compares: East Asian, 59%; 189,586 homozygotes.

Submission:

PreventionGenetics, part of Exact Sciences
Classification: Benign for CTBP2-related condition. Last evaluated: 2019-10-17. Review status: no assertion criteria provided. Collection method: clinical testing. Allele origin: germline.
Comment: This variant is classified as benign based on ACMG/AMP sequence variant interpretation guidelines (Richards et al. 2015 PMID: 25741868, with internal and published modifications).